The following is an entry in ClinVar:

NM_001098816.3(TENM4):c.1186G>A (p.Val396Ile)

Gene: TENM4 (teneurin transmembrane protein 4; minus strand). Cytogenetic location: 11q14.1.
Variant type: single nucleotide variant.
Coding change: c.1186G>A on transcript NM_001098816.3 (MANE Select); coding-DNA position 1186, G replaced by A.
Protein change: p.Val396Ile; replaces valine 396 with isoleucine.
Molecular consequence: missense variant.
Genome position (GRCh38, 1-based): chr11:78,863,031, C>T on the plus strand (G>A on the coding strand, the complement: TENM4 is on the minus strand). VCF-style: chr11-78863031-C-T. GRCh37 (hg19) VCF-style: chr11-78574076-C-T.
Other names: short protein forms V396I.
Identifiers: ClinVar variation 2642232 (VCV002642232.24), dbSNP rs3812723, ClinGen allele CA6207579.

ClinVar aggregate classification (germline): Benign (1 of 4 stars; one submission).

Allele frequency attached by ClinVar (database versions not stated): ESP Exome Variant Server 0.00022; ExAC 0.00023; TOPMed 0.00028; gnomAD 0.00031; 1000 Genomes Project 30x 0.00094; 1000 Genomes Project 0.00100.
gnomAD v4.1: 487 of 1,535,808 alleles (0.032%); highest among the groups gnomAD compares: East Asian, 1%; 6 homozygotes.

Submission:

CeGaT Center for Human Genetics Tuebingen
Classification: Benign. Last evaluated: 2023-03-01. Review status: criteria provided, single submitter. Criteria: CeGaT Center For Human Genetics Tuebingen Variant Classification Criteria Version 2. Collection method: clinical testing. Allele origin: germline. Affected: yes. Observed: 1 variant allele.
Comment: TENM4: BP4, BS1, BS2